The following is an entry in ClinVar:

ClinVar aggregate classification (germline): Conflicting classifications of pathogenicity. Review status: criteria provided, conflicting classifications (1 of 4 stars). 4 submissions from 4 submitters: Uncertain significance (3); Likely benign (1). Last evaluated 2023-06-26.

Conditions:
Hereditary cancer-predisposing syndrome. Also called: Hereditary neoplastic syndrome; Neoplastic Syndromes, Hereditary; Tumor predisposition; Hereditary Cancer Syndrome. Identifiers: Orphanet 140162, MedGen C0027672, MeSH D009386, MONDO:0015356.
Breast-ovarian cancer, familial, susceptibility to, 2 (BROVCA2). Also called: BRCA2 Hereditary Breast and Ovarian Cancer. Identifiers: Orphanet 145, MedGen C2675520, MONDO:0012933, OMIM 612555. Disease mechanism: loss of function.

Submissions (4):

All of Us Research Program, National Institutes of Health
Classification: Uncertain significance for Breast-ovarian cancer, familial, susceptibility to, 2. Last evaluated: 2023-06-26. Review status: criteria provided, single submitter. Criteria: ACMG Guidelines, 2015. Collection method: clinical testing. Allele origin: germline. Inheritance: Autosomal dominant inheritance. Observed: 1 variant allele, 1 heterozygote.
Comment: This missense variant replaces lysine with asparagine at codon 1108 of the BRCA2 protein. Computational prediction suggests that this variant may not impact protein structure and function (internally defined REVEL score threshold <= 0.5, PMID: 27666373). To our knowledge, functional studies have not been reported for this variant. This variant has not been reported in individuals affected with BRCA2-related disorders in the literature. This variant has not been identified in the general population by the Genome Aggregation Database (gnomAD). The available evidence is insufficient to determine the role of this variant in disease conclusively. Therefore, this variant is classified as a Variant of Uncertain Significance.

This study involves interpretation of variants in research participants for the purpose of population health screening. Participant phenotype was not available at the time of variant classification. Additional details can be found in publication PMID: 35346344, PMCID: PMC8962531

University of Washington Department of Laboratory Medicine, University of Washington
Classification: Likely benign for Hereditary cancer-predisposing syndrome. Last evaluated: 2023-03-23. Review status: criteria provided, single submitter. Criteria: Dines et al. (Genet Med. 2020). Collection method: curation. Allele origin: germline.
Comment: Missense variant in a coldspot region where missense variants are very unlikely to be pathogenic (PMID:31911673).

BRCA2 exon 11 coldspot. Reclassification based on statistical prior probability.

Women's Health and Genetics/Laboratory Corporation of America, LabCorp
Classification: Uncertain significance. Last evaluated: 2020-10-27. Review status: criteria provided, single submitter. Criteria: LabCorp Variant Classification Summary - May 2015. Collection method: clinical testing. Allele origin: germline.
Comment: Variant summary: BRCA2 c.3324G>T (p.Lys1108Asn) results in a non-conservative amino acid change in the encoded protein sequence. Three of five in-silico tools predict a damaging effect of the variant on protein function. The variant was absent in 238854 control chromosomes (gnomAD). The available data on variant occurrences in the general population are insufficient to allow any conclusion about variant significance. To our knowledge, no occurrence of c.3324G>T in individuals affected with Hereditary Breast and Ovarian Cancer Syndrome and no experimental evidence demonstrating its impact on protein function have been reported. One clinical diagnostic laboratory has submitted clinical-significance assessments for this variant to ClinVar after 2014 without evidence for independent evaluation. One laboratory classified the variant as uncertain significance. Based on the evidence outlined above, the variant was classified as uncertain significance.

Ambry Genetics
Classification: Uncertain significance for Hereditary cancer-predisposing syndrome. Last evaluated: 2017-07-17. Review status: criteria provided, single submitter. Criteria: Ambry Variant Classification Scheme 2023. Collection method: clinical testing. Allele origin: germline.
Comment: The p.K1108N variant (also known as c.3324G>T), located in coding exon 10 of the BRCA2 gene, results from a G to T substitution at nucleotide position 3324. The lysine at codon 1108 is replaced by asparagine, an amino acid with similar properties. This amino acid position is not well conserved in available vertebrate species. In addition, this alteration is predicted to be tolerated by in silico analysis. Since supporting evidence is limited at this time, the clinical significance of this alteration remains unclear.

NM_000059.4(BRCA2):c.3324G>T (p.Lys1108Asn)

Gene: BRCA2 (BRCA2 DNA repair associated; plus strand). Cytogenetic location: 13q13.1.
Variant type: single nucleotide variant.
Coding change: c.3324G>T on transcript NM_000059.4 (MANE Select); coding-DNA position 3324, G replaced by T.
Protein change: p.Lys1108Asn; replaces lysine 1108 with asparagine.
Molecular consequence: missense variant.
Genome position (GRCh38, 1-based): chr13:32,337,679, G>T. VCF-style: chr13-32337679-G-T. GRCh37 (hg19) VCF-style: chr13-32911816-G-T.
Other names: short protein forms K1108N.
Identifiers: ClinVar variation 483122 (VCV000483122.9), dbSNP rs1555283170, ClinGen allele CA387776250.